The following is an entry in ClinVar:

NM_001079668.3(NKX2-1):c.463+1G>A

Genes: NKX2-1 (NK2 homeobox 1; minus strand), SFTA3 (surfactant associated 3; minus strand). Cytogenetic location: 14q13.3.
Variant type: single nucleotide variant.
Coding change: c.463+1G>A on transcript NM_001079668.3 (MANE Select); the canonical splice donor site of the intron after coding-DNA position 463, G replaced by A.
Molecular consequence: splice donor variant.
Genome position (GRCh38, 1-based): chr14:36,518,984, C>T on the plus strand (G>A on the coding strand, the complement: NKX2-1 is on the minus strand). VCF-style: chr14-36518984-C-T. GRCh37 (hg19) VCF-style: chr14-36988189-C-T.
Other names: c.373+1G>A (NM_003317.4).
Identifiers: ClinVar variation 1453656 (VCV001453656.9), dbSNP rs2139411281, ClinGen allele CA389460239.

ClinVar aggregate classification (germline): Pathogenic. Review status: criteria provided, multiple submitters, no conflicts (2 of 4 stars). 2 submissions from 2 submitters: Pathogenic (2). Last evaluated 2021-09-14.

Conditions:
NKX2-1-Related Disorders. Also called: NKX2-1-related disorder. Identifiers: MedGen CN381057.

Submissions (2):

Blueprint Genetics
Classification: Pathogenic for NKX2-1-related disorders. Last evaluated: 2021-09-14. Review status: criteria provided, single submitter. Criteria: ACMG Guidelines, 2015. Collection method: clinical testing. Allele origin: de novo. Affected: yes. Observed: 1 variant allele.

Labcorp Genetics (formerly Invitae), Labcorp
Classification: Pathogenic. Last evaluated: 2021-05-27. Review status: criteria provided, single submitter. Criteria: Invitae Variant Classification Sherloc (09022015). Collection method: clinical testing. Allele origin: germline.
Comment: Nucleotide substitutions within the consensus splice site are a relatively common cause of aberrant splicing (PMID: 17576681, 9536098). Algorithms developed to predict the effect of sequence changes on RNA splicing suggest that this variant may disrupt the consensus splice site, but this prediction has not been confirmed by published transcriptional studies. This sequence change affects a donor splice site in intron 2 of the NKX2-1 gene. While this variant is not anticipated to result in nonsense mediated decay, it likely alters RNA splicing and results in a disrupted protein product. This variant is not present in population databases (ExAC no frequency). This variant has been observed in individual(s) with NKX2-1related conditions (PMID: 21555194). In at least one individual the variant was observed to be de novo. This variant disrupts the C-terminus of the NKX2-1 protein. Other variant(s) that disrupt this region (p.Trp238*) have been determined to be pathogenic (PMID: 28732825, Invitae). This suggests that variants that disrupt this region of the protein are likely to be causative of disease. For these reasons, this variant has been classified as Pathogenic.

Literature cited by the submitters: PubMed 17576681 (cited by Labcorp Genetics (formerly Invitae), Labcorp); PubMed 9536098 (cited by Labcorp Genetics (formerly Invitae), Labcorp); PubMed 21555194 (cited by Labcorp Genetics (formerly Invitae), Labcorp); PubMed 28732825 (cited by Labcorp Genetics (formerly Invitae), Labcorp).